The following is an entry in ClinVar:

ClinVar aggregate classification (germline): Uncertain significance (1 of 4 stars; one submission).

Conditions:
Hereditary spastic paraplegia 31. Also called: SPASTIC PARAPLEGIA 31, AUTOSOMAL DOMINANT. Identifiers: Orphanet 101011, MedGen C1853247, MONDO:0012453, OMIM 610250.

Allele frequency attached by ClinVar (database versions not stated): gnomAD exomes 0.00001; ExAC 0.00002.
gnomAD v4.1: 10 of 1,608,880 alleles (0.00062%); highest among the groups gnomAD compares: South Asian, 0.0033%; no homozygotes.

Submission:

Labcorp Genetics (formerly Invitae), Labcorp
Classification: Uncertain significance for Hereditary spastic paraplegia 31. Last evaluated: 2021-05-20. Review status: criteria provided, single submitter. Criteria: Invitae Variant Classification Sherloc (09022015). Collection method: clinical testing. Allele origin: germline.
Comment: In summary, the available evidence is currently insufficient to determine the role of this variant in disease. Therefore, it has been classified as a Variant of Uncertain Significance. Algorithms developed to predict the effect of missense changes on protein structure and function (SIFT, PolyPhen-2, Align-GVGD) all suggest that this variant is likely to be tolerated, but these predictions have not been confirmed by published functional studies and their clinical significance is uncertain. This variant has not been reported in the literature in individuals with REEP1-related conditions. This variant is present in population databases (rs745678615, ExAC 0.006%). This sequence change replaces isoleucine with valine at codon 32 of the REEP1 protein (p.Ile32Val). The isoleucine residue is moderately conserved and there is a small physicochemical difference between isoleucine and valine.

NM_001371279.1(REEP1):c.94A>G (p.Ile32Val)

Gene: REEP1 (receptor accessory protein 1; minus strand). Cytogenetic location: 2p11.2.
Variant type: single nucleotide variant.
Coding change: c.94A>G on transcript NM_001371279.1 (MANE Select); coding-DNA position 94, A replaced by G.
Protein change: p.Ile32Val; replaces isoleucine 32 with valine.
Molecular consequence: missense variant. On other transcripts: intron variant (1).
Genome position (GRCh38, 1-based): chr2:86,282,181, T>C on the plus strand (A>G on the coding strand, the complement: REEP1 is on the minus strand). VCF-style: chr2-86282181-T-C. GRCh37 (hg19) VCF-style: chr2-86509304-T-C.
Other names: c.115A>G, p.Ile39Val (NM_001164730.2); c.94A>G, p.Ile32Val (NM_001164732.2, NM_001371280.1, NM_022912.3); c.25-18140A>G (NM_001164731.2); short protein forms I32V, I39V.
Identifiers: ClinVar variation 1421384 (VCV001421384.8), dbSNP rs745678615, ClinGen allele CA1748846.